The following is an entry in ClinVar:

ClinVar aggregate classification (germline): Uncertain significance (1 of 4 stars; one submission).

Submission:

GeneDx
Classification: Uncertain significance. Last evaluated: 2024-10-23. Review status: criteria provided, single submitter. Criteria: GeneDx Variant Classification Process June 2021. Collection method: clinical testing. Allele origin: germline. Affected: yes.
Comment: Not observed at significant frequency in large population cohorts (gnomAD); In silico analysis indicates that this missense variant does not alter protein structure/function; Has not been previously published as pathogenic or benign to our knowledge

NM_020719.3(PRR12):c.5371G>T (p.Ala1791Ser)

Gene: PRR12 (proline rich 12; plus strand). Cytogenetic location: 19q13.33.
Variant type: single nucleotide variant.
Coding change: c.5371G>T on transcript NM_020719.3 (MANE Select); coding-DNA position 5371, G replaced by T.
Protein change: p.Ala1791Ser; replaces alanine 1791 with serine.
Molecular consequence: missense variant.
Genome position (GRCh38, 1-based): chr19:49,616,093, G>T. VCF-style: chr19-49616093-G-T. GRCh37 (hg19) VCF-style: chr19-50119350-G-T.
Other names: short protein forms A1791S.
Identifiers: ClinVar variation 3893529 (VCV003893529.1).